The following is an entry in ClinVar:

NM_000123.4(ERCC5):c.2890del (p.Arg964fs)

Genes: BIVM-ERCC5 (BIVM-ERCC5 readthrough; plus strand), ERCC5 (ERCC excision repair 5, endonuclease; plus strand). Cytogenetic location: 13q33.1.
Variant type: Deletion.
Coding change: c.2890del on transcript NM_000123.4 (MANE Select); coding-DNA position 2890, one base deleted (C; older notation c.2890delC).
Protein change: p.Arg964fs; shifts the reading frame from arginine 964.
Molecular consequence: frameshift variant.
Genome position (GRCh38, 1-based): chr13:102,873,269, C deleted. VCF-style (leftmost placement, unchanged base first): chr13-102873268-GC-G. GRCh37 (hg19) VCF-style: chr13-103525618-GC-G.
Other names: c.4252del, p.Arg1418fs (NM_001204425.2); short protein forms R964fs, R1418fs.
Identifiers: ClinVar variation 1878262 (VCV001878262.1), dbSNP rs2501609479, ClinGen allele CA2580087053.

ClinVar aggregate classification (germline): Likely pathogenic (1 of 4 stars; one submission).

Conditions:
Xeroderma pigmentosum (XP). Identifiers: Orphanet 910, MedGen C0043346, MONDO:0019600.

Submission:

Women's Health and Genetics/Laboratory Corporation of America, LabCorp
Classification: Likely pathogenic for Xeroderma pigmentosum. Last evaluated: 2022-12-09. Review status: criteria provided, single submitter. Criteria: LabCorp Variant Classification Summary - May 2015. Collection method: clinical testing. Allele origin: germline.
Comment: Variant summary: ERCC5 c.2890delC (p.Arg964GlyfsX18) results in a premature termination codon, predicted to cause a truncation of the encoded protein or absence of the protein due to nonsense mediated decay, which are commonly known mechanisms for disease. Truncations downstream of this position have been classified as likely pathogenic in ClinVar database. The variant was absent in 251442 control chromosomes (gnomAD). To our knowledge, no occurrence of c.2890delC in individuals affected with Xeroderma Pigmentosum and no experimental evidence demonstrating its impact on protein function have been reported. No clinical diagnostic laboratories have submitted clinical-significance assessments for this variant to ClinVar after 2014. Based on the evidence outlined above, the variant was classified as likely pathogenic.